The following is an entry in ClinVar:

ClinVar aggregate classification (germline): Conflicting classifications of pathogenicity. Review status: criteria provided, conflicting classifications (1 of 4 stars). 2 submissions from 2 submitters: Likely pathogenic (1); Uncertain significance (1). Last evaluated 2026-07-30.

Conditions:
Familial adenomatous polyposis 2. Also called: MYH-associated polyposis; MUTYH-associated polyposis; FAP type 2; MUTYH Polyposis; Adenomas, multiple colorectal; MUTYH-related attenuated familial adenomatous polyposis. Identifiers: Orphanet 220460, Orphanet 247798, MedGen C3272841, MONDO:0012041, OMIM 608456.
Hereditary cancer-predisposing syndrome. Also called: Hereditary neoplastic syndrome; Neoplastic Syndromes, Hereditary; Tumor predisposition; Hereditary Cancer Syndrome. Identifiers: Orphanet 140162, MedGen C0027672, MeSH D009386, MONDO:0015356.

Submissions (2):

Myriad Genetics, Inc.
Classification: Likely pathogenic for Familial adenomatous polyposis 2. Last evaluated: 2026-07-30. Review status: criteria provided, single submitter. Criteria: Myriad Autosomal Dominant, Autosomal Recessive and X-Linked Classification Criteria (2023). Collection method: clinical testing. Allele origin: unknown.
Comment: This variant is considered likely pathogenic. Functional studies indicate this variant impacts protein function [PMID: 40738107]. This variant is expected to disrupt protein structure [Myriad internal data].

Ambry Genetics
Classification: Uncertain significance for Hereditary cancer-predisposing syndrome. Last evaluated: 2019-03-08. Review status: criteria provided, single submitter. Criteria: Ambry Variant Classification Scheme 2023. Collection method: clinical testing. Allele origin: germline.
Comment: The c.704_706delTGG variant (also known as p.V235del) is located in coding exon 9 of the MUTYH gene. This variant results from an in-frame TGG deletion at nucleotide positions 704 to 706. This results in the in-frame deletion of a valine at codon 235. This amino acid position is highly conserved in available vertebrate species. Since supporting evidence is limited at this time, the clinical significance of this alteration remains unclear.

Literature cited by the submitters: PubMed 40738107 (cited by Myriad Genetics, Inc.).

NM_001048174.2(MUTYH):c.617TGG[1] (p.Val207del)

Gene: MUTYH (mutY DNA glycosylase; minus strand). Cytogenetic location: 1p34.1.
Variant type: Microsatellite.
Coding change: c.617TGG[1] on transcript NM_001048174.2 (MANE Select); one copy of the 3-base unit TGG starting at c.617; the reference has two copies in a row; one copy, 3 bases deleted.
Protein change: p.Val207del; deletes valine 207.
Molecular consequence: inframe deletion. On other transcripts: non-coding transcript variant (2).
Genome position (GRCh38, 1-based): chr1:45,332,473-45,332,475, CCA deleted on the plus strand (TGG on the coding strand, the reverse complement: MUTYH is on the minus strand); deleting any 3 consecutive bases within chr1:45,332,473-45,332,479 gives the same sequence; the position shown is the placement nearest the transcript's 3' end. VCF-style (leftmost placement, unchanged base first): chr1-45332472-TCCA-T. GRCh37 (hg19) VCF-style: chr1-45798144-TCCA-T.
Other names: c.617TGG[1], p.Val207del (NM_001048171.2, NM_001048173.2, NM_001293195.2); c.620TGG[1], p.Val208del (NM_001048172.2); c.701TGG[1], p.Val235del (NM_001128425.2); c.662TGG[1], p.Val222del (NM_001293190.2); c.650TGG[1], p.Val218del (NM_001293191.2); c.341TGG[1], p.Val115del (NM_001293192.2, NM_001293196.2); c.272TGG[1], p.Val92del (NM_001350650.2, NM_001350651.2); c.692TGG[1], p.Val232del (NM_012222.3); short protein forms V218del, V208del, V92del, V207del, V235del, V115del, V222del, V232del.
Identifiers: ClinVar variation 826795 (VCV000826795.5), dbSNP rs1570409746, ClinGen allele CA915941274.